The following is an entry in ClinVar:

NM_004448.4(ERBB2):c.74T>C (p.Val25Ala)

Gene: ERBB2 (erb-b2 receptor tyrosine kinase 2; plus strand). Cytogenetic location: 17q12.
Variant type: single nucleotide variant.
Coding change: c.74T>C on transcript NM_004448.4 (MANE Select); coding-DNA position 74, T replaced by C.
Protein change: p.Val25Ala; replaces valine 25 with alanine.
Molecular consequence: missense variant. On other transcripts: 5 prime UTR variant (4), non-coding transcript variant (1), intron variant (1).
Genome position (GRCh38, 1-based): chr17:39,706,990, T>C. VCF-style: chr17-39706990-T-C. GRCh37 (hg19) VCF-style: chr17-37863243-T-C.
Other names: c.-17T>C (NM_001005862.3, NM_001289938.2, NM_001382782.1 and 1 more transcripts); c.29T>C, p.Val10Ala (NM_001289936.2); c.74T>C, p.Val25Ala (NM_001289937.2, NM_001382784.1, NM_001382785.1 and 20 more transcripts); c.74-4938T>C (NM_001382804.1); short protein forms V10A, V25A.
Identifiers: ClinVar variation 1497000 (VCV001497000.7), dbSNP rs755921683, ClinGen allele CA8533528.

ClinVar aggregate classification (germline): Uncertain significance. Review status: criteria provided, multiple submitters, no conflicts (2 of 4 stars). 2 submissions from 2 submitters: Uncertain significance (2). Last evaluated 2025-06-18.

Conditions:
Glioma susceptibility 1 (GLM1). Also called: Glioblastoma, somatic. Identifiers: MedGen C2750850, MONDO:0024498, OMIM 137800.
Gastric cancer. Also called: Malignant tumor of stomach; Stomach cancer. Identifiers: MedGen C0024623, MeSH D013274, MONDO:0001056, OMIM 613659, HP:0012126.
Ovarian cancer. Also called: OVARIAN CANCER, SOMATIC. Identifiers: Orphanet 213500, MedGen C1140680, MONDO:0008170, OMIM 167000.
Lung cancer. Also called: Lung cancer, somatic; Malignant tumor of lung. Identifiers: MedGen C0242379, MONDO:0008903, OMIM 211980.
Visceral neuropathy, familial, 2, autosomal recessive. Identifiers: MedGen C5561950, MONDO:0030399, OMIM 619465.

Allele frequency attached by ClinVar (database versions not stated): gnomAD exomes 0.00001 and 0.00005; ExAC 0.00002; gnomAD 0.00003 and 0.00004; TOPMed 0.00005.
gnomAD v4.1: 27 of 1,575,656 alleles (0.0017%); highest among the groups gnomAD compares: Admixed American, 0.032%; no homozygotes.

Submissions (2):

Labcorp Genetics (formerly Invitae), Labcorp
Classification: Uncertain significance. Last evaluated: 2025-06-18. Review status: criteria provided, single submitter. Criteria: Invitae Variant Classification Sherloc (09022015). Collection method: clinical testing. Allele origin: germline.
Comment: This sequence change replaces valine, which is neutral and non-polar, with alanine, which is neutral and non-polar, at codon 25 of the ERBB2 protein (p.Val25Ala). This variant is present in population databases (rs755921683, gnomAD 0.03%). This variant has not been reported in the literature in individuals affected with ERBB2-related conditions. ClinVar contains an entry for this variant (Variation ID: 1497000). An algorithm developed to predict the effect of missense changes on protein structure and function (PolyPhen-2) suggests that this variant is likely to be tolerated. In summary, the available evidence is currently insufficient to determine the role of this variant in disease. Therefore, it has been classified as a Variant of Uncertain Significance.

Fulgent Genetics
Classification: Uncertain significance for Glioma susceptibility 1; Ovarian cancer; Lung cancer; Gastric cancer; Visceral neuropathy, familial, 2, autosomal recessive. Last evaluated: 2024-01-25. Review status: criteria provided, single submitter. Criteria: ACMG Guidelines, 2015. Collection method: clinical testing. Allele origin: germline.